The following is an entry in ClinVar:

ClinVar aggregate classification (germline): Uncertain significance (1 of 4 stars; one submission).

Conditions:
Duchenne muscular dystrophy (DMD). Also called: MUSCULAR DYSTROPHY, PSEUDOHYPERTROPHIC PROGRESSIVE, DUCHENNE TYPE; Duchenne Muscular Dystrophy (DMD). Identifiers: Orphanet 98896, MedGen C0013264, MONDO:0010679, OMIM 310200.

Submission:

Labcorp Genetics (formerly Invitae), Labcorp
Classification: Uncertain significance for Duchenne muscular dystrophy. Last evaluated: 2023-12-26. Review status: criteria provided, single submitter. Criteria: Invitae Variant Classification Sherloc (09022015). Collection method: clinical testing. Allele origin: germline.
Comment: This sequence change replaces glycine, which is neutral and non-polar, with glutamic acid, which is acidic and polar, at codon 2880 of the DMD protein (p.Gly2880Glu). This variant is not present in population databases (gnomAD no frequency). This variant has not been reported in the literature in individuals affected with DMD-related conditions. Advanced modeling of protein sequence and biophysical properties (such as structural, functional, and spatial information, amino acid conservation, physicochemical variation, residue mobility, and thermodynamic stability) performed at Invitae indicates that this missense variant is not expected to disrupt DMD protein function with a negative predictive value of 95%. In summary, the available evidence is currently insufficient to determine the role of this variant in disease. Therefore, it has been classified as a Variant of Uncertain Significance.

NM_004006.3(DMD):c.8639G>A (p.Gly2880Glu)

Gene: DMD (dystrophin; minus strand). Cytogenetic location: Xp21.2.
Variant type: single nucleotide variant.
Coding change: c.8639G>A on transcript NM_004006.3 (MANE Select); coding-DNA position 8639, G replaced by A.
Protein change: p.Gly2880Glu; replaces glycine 2880 with glutamic acid.
Molecular consequence: missense variant.
Genome position (GRCh38, 1-based): chrX:31,479,012, C>T on the plus strand (G>A on the coding strand, the complement: DMD is on the minus strand). VCF-style: chrX-31479012-C-T. GRCh37 (hg19) VCF-style: chrX-31497129-C-T.
Other names: c.8615G>A, p.Gly2872Glu (NM_000109.4); c.8627G>A, p.Gly2876Glu (NM_004009.3); c.8270G>A, p.Gly2757Glu (NM_004010.3); c.4616G>A, p.Gly1539Glu (NM_004011.4); c.4607G>A, p.Gly1536Glu (NM_004012.4); c.1259G>A, p.Gly420Glu (NM_004013.3, NM_004020.4, NM_004021.3 and 2 more transcripts); c.452G>A, p.Gly151Glu (NM_004014.3); short protein forms G2872E, G1539E, G2757E, G2876E, G2880E, G151E, G1536E, G420E.
Identifiers: ClinVar variation 2877612 (VCV002877612.3), dbSNP rs2525324954, ClinGen allele CA412654486.
Genomic context (GRCh38, chrX:31,479,012, plus strand): 5'-AATATGTTATTATAGTTCCACATTCAATTACCTCTGGGCTCCTGGTAGAGTTTCTCTAGT[C>T]CTTCCAAAGGCTGCTCTGTCAGAAATATTCGTACAGTCTCAAGAGTACTCATGATTACAG-3'
Protein context (NP_003997.2, residues 2870-2890): RIFLTEQPLE[Gly2880Glu]LEKLYQEPRE